The following is an entry in ClinVar:

NM_004415.4(DSP):c.1184T>C (p.Leu395Pro)

Gene: DSP (desmoplakin; plus strand). Cytogenetic location: 6p24.3.
Variant type: single nucleotide variant.
Coding change: c.1184T>C on transcript NM_004415.4 (MANE Select); coding-DNA position 1184, T replaced by C.
Protein change: p.Leu395Pro; replaces leucine 395 with proline.
Molecular consequence: missense variant.
Genome position (GRCh38, 1-based): chr6:7,567,824, T>C. VCF-style: chr6-7567824-T-C. GRCh37 (hg19) VCF-style: chr6-7568057-T-C.
Other names: c.1184T>C, p.Leu395Pro (NM_001008844.3, NM_001319034.2, NM_001406591.1); short protein forms L395P.
Identifiers: ClinVar variation 2925991 (VCV002925991.3), dbSNP rs2533881648, ClinGen allele CA362676082.
Genomic context (GRCh38, chr6:7,567,824, plus strand): 5'-ACTCTCATCCTTCACAGTTTTTTGAAGAGGCGCAGTCTACTGAAGCATACCTGAAGGGGC[T>C]CCAGGACTCCATCAGGAAGAAGTACCCCTGCGACAAGAACATGCCCCTGCAGCACCTGCT-3'
Protein context (NP_004406.2, residues 385-405): AQSTEAYLKG[Leu395Pro]QDSIRKKYPC

ClinVar aggregate classification (germline): Uncertain significance (1 of 4 stars; one submission).

Conditions:
Arrhythmogenic right ventricular dysplasia 8 (ARVD8). Also called: Arrhythmogenic Right Ventricular Dysplasia/Cardiomyopathy 8; ARRHYTHMOGENIC RIGHT VENTRICULAR DYSPLASIA, FAMILIAL, 8; ARRHYTHMOGENIC RIGHT VENTRICULAR CARDIOMYOPATHY 8. Identifiers: MedGen C1843896, MONDO:0011831, OMIM 607450.
Arrhythmogenic cardiomyopathy with wooly hair and keratoderma. Also called: PALMOPLANTAR KERATODERMA WITH LEFT VENTRICULAR CARDIOMYOPATHY AND WOOLLY HAIR; Carvajal syndrome; Arrhythmogenic cardiomyopathy with woolly hair and keratoderma; Dilated cardiomyopathy with woolly hair and keratoderma. Identifiers: Orphanet 65282, MedGen C1854063, MONDO:0011581, OMIM 605676.

Submission:

Labcorp Genetics (formerly Invitae), Labcorp
Classification: Uncertain significance for Arrhythmogenic cardiomyopathy with wooly hair and keratoderma; Arrhythmogenic right ventricular dysplasia 8. Last evaluated: 2023-09-25. Review status: criteria provided, single submitter. Criteria: Invitae Variant Classification Sherloc (09022015). Collection method: clinical testing. Allele origin: germline.
Comment: In summary, the available evidence is currently insufficient to determine the role of this variant in disease. Therefore, it has been classified as a Variant of Uncertain Significance. An algorithm developed to predict the effect of missense changes on protein structure and function (PolyPhen-2) suggests that this variant is likely to be disruptive. This variant has not been reported in the literature in individuals affected with DSP-related conditions. This variant is not present in population databases (gnomAD no frequency). This sequence change replaces leucine, which is neutral and non-polar, with proline, which is neutral and non-polar, at codon 395 of the DSP protein (p.Leu395Pro).